The following is an entry in ClinVar:

NM_000297.4(PKD2):c.377_400dup (p.Ala126_Ser133dup)

Genes: PKD2 (polycystin 2, transient receptor potential cation channel; plus strand), LOC129992813 (ATAC-STARR-seq lymphoblastoid silent region 15559; plus strand). Cytogenetic location: 4q22.1.
Variant type: Duplication.
Coding change: c.377_400dup on transcript NM_000297.4 (MANE Select); coding-DNA positions 377 to 400, 24 bases duplicated (CCGCCTCCTCGGCCGTGAGCTCCG).
Protein change: p.Ala126_Ser133dup.
Molecular consequence: inframe insertion. On other transcripts: non-coding transcript variant (1).
Genome position (GRCh38, 1-based): chr4:88,008,110-88,008,133, CCGCCTCCTCGGCCGTGAGCTCCG duplicated; duplicating any 24 consecutive bases within chr4:88,008,109-88,008,133 gives the same sequence; the c. name uses the placement nearest the transcript's 3' end. VCF-style (leftmost placement, unchanged base first): chr4-88008108-G-GGCCGCCTCCTCGGCCGTGAGCTCC. GRCh37 (hg19) VCF-style: chr4-88929260-G-GGCCGCCTCCTCGGCCGTGAGCTCC.
Other names: c.377_400dup24 (NM_000297.3).
Identifiers: ClinVar variation 849237 (VCV000849237.12), dbSNP rs1726243655, ClinGen allele CA916082650.

ClinVar aggregate classification (germline): Uncertain significance. Review status: criteria provided, multiple submitters, no conflicts (2 of 4 stars). 2 submissions from 2 submitters: Uncertain significance (2). Last evaluated 2024-12-07.

Conditions:
Autosomal dominant polycystic kidney disease. Identifiers: Orphanet 730, MedGen C0085413, MONDO:0004691.
PKD2-related disorder. Also called: PKD2-related condition.

Submissions (2):

PreventionGenetics, part of Exact Sciences
Classification: Uncertain significance for PKD2-related condition. Last evaluated: 2024-12-07. Review status: criteria provided, single submitter. Criteria: ACMG Guidelines, 2015. Collection method: clinical testing. Allele origin: germline.
Comment: The PKD2 c.377_400dup24 variant is predicted to result in an in-frame duplication (p.Ala126_Ser133dup). To our knowledge, this variant has not been reported in the literature or in a large population database (gnomAD), indicating this variant is rare. At this time, the clinical significance of this variant is uncertain due to the absence of conclusive functional and genetic evidence.

Labcorp Genetics (formerly Invitae), Labcorp
Classification: Uncertain significance for Autosomal dominant polycystic kidney disease. Last evaluated: 2020-01-03. Review status: criteria provided, single submitter. Criteria: Invitae Variant Classification Sherloc (09022015). Collection method: clinical testing. Allele origin: germline.
Comment: The frequency data for this variant in the population databases is considered unreliable, as metrics indicate insufficient coverage at this position in the ExAC database. This variant, c.377_400dup, results in the insertion of 8 amino acid(s) to the PKD2 protein (p.Ala126_Ser133dup), but otherwise preserves the integrity of the reading frame. This variant has not been reported in the literature in individuals with PKD2-related conditions. In summary, the available evidence is currently insufficient to determine the role of this variant in disease. Therefore, it has been classified as a Variant of Uncertain Significance. Algorithms developed to predict the effect of sequence changes on RNA splicing suggest that this variant may create or strengthen a splice site, but this prediction has not been confirmed by published transcriptional studies. Experimental studies and prediction algorithms are not available or were not evaluated, and the functional significance of this variant is currently unknown.